The following is an entry in ClinVar:

NM_000390.4(CHM):c.962A>G (p.Tyr321Cys)

Gene: CHM (CHM Rab escort protein; minus strand). Cytogenetic location: Xq21.2.
Variant type: single nucleotide variant.
Coding change: c.962A>G on transcript NM_000390.4 (MANE Select); coding-DNA position 962, A replaced by G.
Protein change: p.Tyr321Cys; replaces tyrosine 321 with cysteine.
Molecular consequence: missense variant.
Genome position (GRCh38, 1-based): chrX:85,956,357, T>C on the plus strand (A>G on the coding strand, the complement: CHM is on the minus strand). VCF-style: chrX-85956357-T-C. GRCh37 (hg19) VCF-style: chrX-85211362-T-C.
Other names: c.518A>G, p.Tyr173Cys (NM_001320959.1, NM_001362517.1, NM_001362518.2 and 1 more transcripts); short protein forms Y321C, Y173C.
Identifiers: ClinVar variation 848323 (VCV000848323.5), dbSNP rs150754372, ClinGen allele CA10465481.
Genomic context (GRCh38, chrX:85,956,357, plus strand): 5'-ATTGAATGCATGACAATATATTGGAGGTTGGGGGTTAATTTTTGAGTCTTTAAATATTCA[T>C]AAAATGTGATCTCTTCATATCCTATGAAAAGATGAAATTTTATCACTTAAAATCAGAACT-3'
Protein context (NP_000381.1, residues 311-331): EYKGYEEITF[Tyr321Cys]EYLKTQKLTP

ClinVar aggregate classification (germline): Uncertain significance. Review status: criteria provided, single submitter (1 of 4 stars). 2 submissions from 2 submitters: Uncertain significance (1). 1 of the submissions does not count toward it. Last evaluated 2021-08-28.

Conditions:
Choroideremia. Also called: Chorioretinal scalloped atrophy. Identifiers: Orphanet 180, MedGen C0008525, MONDO:0010557, OMIM 303100, HP:0001139.

Allele frequency attached by ClinVar (database versions not stated): TOPMed below 0.00001; ExAC 0.00001; gnomAD exomes 0.00001; ESP Exome Variant Server 0.00009.
gnomAD v4.1: 6 of 1,209,877 alleles (0.0005%); highest among the groups gnomAD compares: East Asian, 0.003%; no homozygotes.

Submissions (2):

Labcorp Genetics (formerly Invitae), Labcorp
Classification: Uncertain significance. Last evaluated: 2021-08-28. Review status: criteria provided, single submitter. Criteria: Invitae Variant Classification Sherloc (09022015). Collection method: clinical testing. Allele origin: germline.
Comment: This sequence change replaces tyrosine with cysteine at codon 321 of the CHM protein (p.Tyr321Cys). The tyrosine residue is weakly conserved and there is a large physicochemical difference between tyrosine and cysteine. This variant is present in population databases (rs150754372, ExAC 0.003%). This variant has not been reported in the literature in individuals affected with CHM-related conditions. Algorithms developed to predict the effect of missense changes on protein structure and function output the following: SIFT: "Tolerated"; PolyPhen-2: "Benign"; Align-GVGD: "Class C0". The cysteine amino acid residue is found in multiple mammalian species, which suggests that this missense change does not adversely affect protein function. In summary, the available evidence is currently insufficient to determine the role of this variant in disease. Therefore, it has been classified as a Variant of Uncertain Significance.

Natera, Inc.
Classification: Uncertain significance for Choroideremia. Last evaluated: 2021-03-09. Review status: no assertion criteria provided. Collection method: clinical testing. Allele origin: germline. Not counted in ClinVar's aggregate classification.